The following is an entry in ClinVar:

ClinVar aggregate classification (germline): Uncertain significance (1 of 4 stars; one submission).

Submission:

Women's Health and Genetics/Laboratory Corporation of America, LabCorp
Classification: Uncertain significance. Last evaluated: 2024-06-12. Review status: criteria provided, single submitter. Criteria: LabCorp Variant Classification Summary - May 2015. Collection method: clinical testing. Allele origin: germline.
Comment: Variant summary: GFPT1 c.154G>A (p.Ala52Thr) results in a non-conservative amino acid change located in the Glutamine amidotransferase type 2 domain (IPR017932) of the encoded protein sequence. Three of five in-silico tools predict a benign effect of the variant on protein function. The variant was absent in 251398 control chromosomes. The available data on variant occurrences in the general population are insufficient to allow any conclusion about variant significance. To our knowledge, no occurrence of c.154G>A in individuals affected with Congenital Myasthenic Syndrome and no experimental evidence demonstrating its impact on protein function have been reported. No submitters have cited clinical-significance assessments for this variant to ClinVar. Based on the evidence outlined above, the variant was classified as uncertain significance.

NM_001244710.2(GFPT1):c.154G>A (p.Ala52Thr)

Gene: GFPT1 (glutamine--fructose-6-phosphate transaminase 1; minus strand). Cytogenetic location: 2p13.3.
Variant type: single nucleotide variant.
Coding change: c.154G>A on transcript NM_001244710.2 (MANE Select); coding-DNA position 154, G replaced by A.
Protein change: p.Ala52Thr; replaces alanine 52 with threonine.
Molecular consequence: missense variant.
Genome position (GRCh38, 1-based): chr2:69,370,070, C>T on the plus strand (G>A on the coding strand, the complement: GFPT1 is on the minus strand). VCF-style: chr2-69370070-C-T. GRCh37 (hg19) VCF-style: chr2-69597202-C-T.
Other names: c.154G>A, p.Ala52Thr (NM_002056.4); short protein forms A52T.
Identifiers: ClinVar variation 3339574 (VCV003339574.1).